The following is an entry in ClinVar:

NM_020821.3(VPS13C):c.2408+1G>A

Gene: VPS13C (vacuolar protein sorting 13 homolog C; minus strand). Cytogenetic location: 15q22.2.
Variant type: single nucleotide variant.
Coding change: c.2408+1G>A on transcript NM_020821.3 (MANE Select); the canonical splice donor site of the intron after coding-DNA position 2408, G replaced by A.
Molecular consequence: splice donor variant.
Genome position (GRCh38, 1-based): chr15:61,977,081, C>T on the plus strand (G>A on the coding strand, the complement: VPS13C is on the minus strand). VCF-style: chr15-61977081-C-T. GRCh37 (hg19) VCF-style: chr15-62269280-C-T.
Other names: c.2279+1G>A (NM_017684.5, NM_018080.4); c.2408+1G>A (NM_001018088.3, NM_020821.2).
Identifiers: ClinVar variation 3075761 (VCV003075761.2), dbSNP rs769411694, ClinGen allele CA7596738.

ClinVar aggregate classification (germline): Likely pathogenic. Review status: criteria provided, single submitter (1 of 4 stars). 2 submissions from 2 submitters: Likely pathogenic (1). 1 of the submissions does not count toward it. Last evaluated 2019-03-07.

Conditions:
VPS13C-related disorder. Also called: VPS13C-related condition.
Young-onset Parkinson disease. Identifiers: Orphanet 2828, MedGen C4275179, MONDO:0017279.

Allele frequency attached by ClinVar (database versions not stated): gnomAD 0.00001; gnomAD exomes 0.00001; ExAC 0.00002; TOPMed 0.00002.
gnomAD v4.1: 15 of 1,585,584 alleles (0.00095%); highest among the groups gnomAD compares: East Asian, 0.0046%; no homozygotes.

Submissions (2):

Laboratory for Molecular Medicine, Mass General Brigham Personalized Medicine
Classification: Likely pathogenic for Young-onset Parkinson disease. Last evaluated: 2019-03-07. Review status: criteria provided, single submitter. Criteria: ACMG Guidelines, 2015. Collection method: clinical testing. Allele origin: germline. Inheritance: Autosomal recessive inheritance.
Comment: The c.2408+1G>A variant VPS13C has not been previously reported in individuals with Parkinson disease but has been identified in 2/16850 of East Asian chromosomes by gnomAD. This variant occurs within the canonical splice site (+/- 1,2) and is predicted to cause altered splicing leading to an abnormal or absent protein. Loss of function of the VPS13C gene has been recently associated with autosomal recessive early onset parkinsonism (Schormair 2018; Lesage 2016; Darvish 2018). In summary, although additional studies are required to fully establish its clinical significance, this variant meets criteria to be classified as likely pathogenic for autosomal recessive early onset parkinsonism. ACMG/AMP Criteria applied: PM2, PVS1_Strong.

PreventionGenetics, part of Exact Sciences
Classification: Likely pathogenic for VPS13C-related condition. Last evaluated: 2024-06-24. Review status: no assertion criteria provided. Collection method: clinical testing. Allele origin: germline. Not counted in ClinVar's aggregate classification.
Comment: The VPS13C c.2408+1G>A variant is predicted to disrupt the GT donor site and interfere with normal splicing. To our knowledge, this variant has not been previously reported in the literature. This variant is reported in 0.012% of alleles in individuals of East Asian descent in gnomAD. Variants that disrupt the consensus splice donor site in VPS13C are expected to be pathogenic. This variant is interpreted as likely pathogenic.